The following is an entry in ClinVar:

ClinVar aggregate classification (germline): Uncertain significance (1 of 4 stars; one submission).

gnomAD v4.1: 7 of 1,613,622 alleles (0.00043%); highest among the groups gnomAD compares: East Asian, 0.0045%; no homozygotes.

Submission:

Labcorp Genetics (formerly Invitae), Labcorp
Classification: Uncertain significance. Last evaluated: 2022-08-20. Review status: criteria provided, single submitter. Criteria: Invitae Variant Classification Sherloc (09022015). Collection method: clinical testing. Allele origin: germline.
Comment: This variant has not been reported in the literature in individuals affected with SZT2-related conditions. In summary, the available evidence is currently insufficient to determine the role of this variant in disease. Therefore, it has been classified as a Variant of Uncertain Significance. Algorithms developed to predict the effect of missense changes on protein structure and function are either unavailable or do not agree on the potential impact of this missense change (SIFT: "Tolerated"; PolyPhen-2: "Possibly Damaging"; Align-GVGD: "Class C0"). This variant is not present in population databases (gnomAD no frequency). This sequence change replaces arginine, which is basic and polar, with glycine, which is neutral and non-polar, at codon 1206 of the SZT2 protein (p.Arg1206Gly).

NM_001365999.1(SZT2):c.3787C>G (p.Arg1263Gly)

Gene: SZT2 (SZT2 subunit of KICSTOR complex; plus strand). Cytogenetic location: 1p34.2.
Variant type: single nucleotide variant.
Coding change: c.3787C>G on transcript NM_001365999.1 (MANE Select); coding-DNA position 3787, C replaced by G.
Protein change: p.Arg1263Gly; replaces arginine 1263 with glycine.
Molecular consequence: missense variant.
Genome position (GRCh38, 1-based): chr1:43,427,718, C>G. VCF-style: chr1-43427718-C-G. GRCh37 (hg19) VCF-style: chr1-43893389-C-G.
Other names: c.3616C>G, p.Arg1206Gly (NM_015284.4); short protein forms R1263G, R1206G.
Identifiers: ClinVar variation 1927594 (VCV001927594.5), dbSNP rs748254246, ClinGen allele CA340019039.